The following is an entry in ClinVar:

ClinVar aggregate classification (germline): Uncertain significance. Review status: criteria provided, multiple submitters, no conflicts (2 of 4 stars). 5 submissions from 5 submitters: Uncertain significance (5). Last evaluated 2026-04-24.

Conditions:
Majeed syndrome (MJDS). Also called: CHRONIC RECURRENT MULTIFOCAL OSTEOMYELITIS 1, WITH CONGENITAL DYSERYTHROPOIETIC ANEMIA, WITH OR WITHOUT NEUTROPHILIC DERMATOSIS; LPIN2-Related Majeed Syndrome. Identifiers: Orphanet 77297, MedGen C1864997, MONDO:0012316, OMIM 609628.

Allele frequency attached by ClinVar (database versions not stated): TOPMed 0.00001; gnomAD 0.00002; gnomAD exomes 0.00002 and 0.00005; ExAC 0.00005.
gnomAD v4.1: 27 of 1,613,320 alleles (0.0017%); highest among the groups gnomAD compares: African/African-American, 0.0027%; no homozygotes.

Submissions (5):

Women's Health and Genetics/Laboratory Corporation of America, LabCorp
Classification: Uncertain significance. Last evaluated: 2026-04-24. Review status: criteria provided, single submitter. Criteria: LabCorp Variant Classification Summary - May 2015. Collection method: clinical testing. Allele origin: germline.
Comment: Variant summary: LPIN2 c.1348G>A (p.Ala450Thr) results in a non-conservative amino acid change in the encoded protein sequence. Algorithms developed to predict the effect of missense changes on protein structure and function all suggest that this variant is likely to be disruptive. The variant allele was found at a frequency of 4.8e-05 in 249090 control chromosomes. This frequency is not significantly higher than estimated for disease-causing variants in LPIN2, allowing no conclusion about variant significance. To our knowledge, no occurrence of c.1348G>A in individuals affected with LPIN2-related conditions and no experimental evidence demonstrating its impact on protein function have been reported. ClinVar contains an entry for this variant (Variation ID: 279842). Based on the evidence outlined above, the variant was classified as uncertain significance.

Blueprint Genetics
Classification: Uncertain significance. Last evaluated: 2024-09-15. Review status: criteria provided, single submitter. Criteria: ACMG Guidelines, 2015. Collection method: clinical testing. Allele origin: germline.

Labcorp Genetics (formerly Invitae), Labcorp
Classification: Uncertain significance for Majeed syndrome. Last evaluated: 2023-12-11. Review status: criteria provided, single submitter. Criteria: Invitae Variant Classification Sherloc (09022015). Collection method: clinical testing. Allele origin: germline.
Comment: This sequence change replaces alanine, which is neutral and non-polar, with threonine, which is neutral and polar, at codon 450 of the LPIN2 protein (p.Ala450Thr). This variant is present in population databases (rs771486222, gnomAD 0.04%). This variant has not been reported in the literature in individuals affected with LPIN2-related conditions. ClinVar contains an entry for this variant (Variation ID: 279842). Advanced modeling of protein sequence and biophysical properties (such as structural, functional, and spatial information, amino acid conservation, physicochemical variation, residue mobility, and thermodynamic stability) performed at Invitae indicates that this missense variant is not expected to disrupt LPIN2 protein function with a negative predictive value of 80%. In summary, the available evidence is currently insufficient to determine the role of this variant in disease. Therefore, it has been classified as a Variant of Uncertain Significance.

Fulgent Genetics
Classification: Uncertain significance for Majeed syndrome. Last evaluated: 2018-10-31. Review status: criteria provided, single submitter. Criteria: ACMG Guidelines, 2015. Collection method: clinical testing. Allele origin: unknown.

GeneDx
Classification: Uncertain significance. Last evaluated: 2016-07-19. Review status: criteria provided, single submitter. Criteria: GeneDx Variant Classification (06012015). Collection method: clinical testing. Allele origin: germline. Affected: yes.
Comment: The A450T variant has not been published as a pathogenic variant, nor has it been reported as a benign variant to our knowledge. The variant was not observed in approximately 6,500 individuals of European and African American ancestry in the NHLBI Exome Sequencing Project, indicating it is not a common benign variant in these populations. A450T is a non-conservative amino acid substitution, which is likely to impact secondary protein structure as these residues differ in polarity, charge, size and/or other properties. This substitution occurs at a position that is conserved across species; however, in silico analysis is inconsistent in its predictions as to whether or not the variant is damaging to the protein structure/function. Therefore, based on the currently available information, it is unclear whether this variant is a pathogenic variant or a rare benign variant.

NM_001375808.2(LPIN2):c.1348G>A (p.Ala450Thr)

Gene: LPIN2 (lipin 2; minus strand). Cytogenetic location: 18p11.31.
Variant type: single nucleotide variant.
Coding change: c.1348G>A on transcript NM_001375808.2 (MANE Select); coding-DNA position 1348, G replaced by A.
Protein change: p.Ala450Thr; replaces alanine 450 with threonine.
Molecular consequence: missense variant.
Genome position (GRCh38, 1-based): chr18:2,931,364, C>T on the plus strand (G>A on the coding strand, the complement: LPIN2 is on the minus strand). VCF-style: chr18-2931364-C-T. GRCh37 (hg19) VCF-style: chr18-2931362-C-T.
Other names: c.1348G>A, p.Ala450Thr (NM_001375809.1, NM_014646.2); short protein forms A450T.
Identifiers: ClinVar variation 279842 (VCV000279842.11), dbSNP rs771486222, ClinGen allele CA8873125.